The following is an entry in ClinVar:

NM_001040108.2(MLH3):c.3752G>A (p.Arg1251Gln)

Gene: MLH3 (mutL homolog 3; minus strand). Cytogenetic location: 14q24.3.
Variant type: single nucleotide variant.
Coding change: c.3752G>A on transcript NM_001040108.2 (MANE Select); coding-DNA position 3752, G replaced by A.
Protein change: p.Arg1251Gln; replaces arginine 1251 with glutamine.
Molecular consequence: missense variant.
Genome position (GRCh38, 1-based): chr14:75,032,143, C>T on the plus strand (G>A on the coding strand, the complement: MLH3 is on the minus strand). VCF-style: chr14-75032143-C-T. GRCh37 (hg19) VCF-style: chr14-75498846-C-T.
Other names: c.3680G>A, p.Arg1227Gln (NM_014381.3); short protein forms R1251Q, R1227Q.
Identifiers: ClinVar variation 410897 (VCV000410897.29), dbSNP rs201721635, ClinGen allele CA7275333.
Genomic context (GRCh38, chr14:75,032,143, plus strand): 5'-TGTTCCTCTGTCACTGTTATCTCTAGCGGAGGAATTAGAGTAGAAGACAGTAATTTTTTC[C>T]GACCAGAGCCTTGTGCCTGTTGCTTCTCGTAGGAATCTATTGGCAGAAAGATGAATGGGT-3'
Protein context (NP_001035197.1, residues 1241-1261): YEKQQAQGSG[Arg1251Gln]KKLLSSTLIP

ClinVar aggregate classification (germline): Uncertain significance. Review status: criteria provided, multiple submitters, no conflicts (2 of 4 stars). 4 submissions from 4 submitters: Uncertain significance (4). Last evaluated 2025-12-29.

Conditions:
Colorectal cancer, hereditary nonpolyposis, type 7. Identifiers: Orphanet 144, MedGen C1858380, MONDO:0013725, OMIM 614385.

Allele frequency attached by ClinVar (database versions not stated): ExAC 0.00011; TOPMed 0.00011; ESP Exome Variant Server 0.00008; gnomAD exomes 0.00009 and 0.00015; gnomAD 0.00013 and 0.00014; 1000 Genomes Project 30x 0.00016; 1000 Genomes Project 0.00020.
gnomAD v4.1: 246 of 1,613,660 alleles (0.015%); highest among the groups gnomAD compares: Non-Finnish European, 0.019%; no homozygotes.

Submissions (4):

Center for Genomic Medicine, Rigshospitalet, Copenhagen University Hospital
Classification: Uncertain significance. Last evaluated: 2025-12-29. Review status: criteria provided, single submitter. Criteria: ACMG Guidelines, 2015. Collection method: clinical testing. Allele origin: germline.

Labcorp Genetics (formerly Invitae), Labcorp
Classification: Uncertain significance for Colorectal cancer, hereditary nonpolyposis, type 7. Last evaluated: 2025-12-15. Review status: criteria provided, single submitter. Criteria: Invitae Variant Classification Sherloc (09022015). Collection method: clinical testing. Allele origin: germline.
Comment: This sequence change replaces arginine, which is basic and polar, with glutamine, which is neutral and polar, at codon 1251 of the MLH3 protein (p.Arg1251Gln). This variant is present in population databases (rs201721635, gnomAD 0.02%). This variant has not been reported in the literature in individuals affected with MLH3-related conditions. ClinVar contains an entry for this variant (Variation ID: 410897). An algorithm developed to predict the effect of missense changes on protein structure and function (PolyPhen-2) suggests that this variant is likely to be disruptive. In summary, the available evidence is currently insufficient to determine the role of this variant in disease. Therefore, it has been classified as a Variant of Uncertain Significance.

Ambry Genetics
Classification: Uncertain significance. Last evaluated: 2024-09-22. Review status: criteria provided, single submitter. Criteria: Ambry Variant Classification Scheme 2023. Collection method: clinical testing. Allele origin: germline.
Comment: The p.R1251Q variant (also known as c.3752G>A), located in coding exon 7 of the MLH3 gene, results from a G to A substitution at nucleotide position 3752. The arginine at codon 1251 is replaced by glutamine, an amino acid with highly similar properties. This amino acid position is well conserved in available vertebrate species. In addition, the in silico prediction for this alteration is inconclusive. Since supporting evidence is limited at this time, the clinical significance of this alteration remains unclear.

Illumina Laboratory Services, Illumina
Classification: Uncertain significance for Colorectal cancer, hereditary nonpolyposis, type 7. Last evaluated: 2018-01-13. Review status: criteria provided, single submitter. Criteria: ICSL Variant Classification Criteria 13 December 2019. Collection method: clinical testing. Allele origin: germline.